The following is an entry in ClinVar:

ClinVar aggregate classification (germline): Pathogenic/Likely pathogenic. Review status: criteria provided, multiple submitters, no conflicts (2 of 4 stars). 2 submissions from 2 submitters: Pathogenic (1); Likely pathogenic (1). Last evaluated 2024-03-16.

Conditions:
Marfan syndrome (MFS). Also called: MARFAN SYNDROME, TYPE I; FBN1-Related Marfan Syndrome; Marfan syndrome type 1; Marfan's syndrome; Marfan syndrome, classic. Identifiers: Orphanet 284963, Orphanet 558, MedGen C0024796, MONDO:0007947, OMIM 154700.
Familial thoracic aortic aneurysm and aortic dissection (TAAD). Also called: Thoracic aortic aneurysms and dissections. Identifiers: Orphanet 91387, MedGen C4707243, MONDO:0019625.

Submissions (2):

Labcorp Genetics (formerly Invitae), Labcorp
Classification: Pathogenic for Marfan syndrome; Familial thoracic aortic aneurysm and aortic dissection. Last evaluated: 2024-03-16. Review status: criteria provided, single submitter. Criteria: Invitae Variant Classification Sherloc (09022015). Collection method: clinical testing. Allele origin: germline.
Comment: This sequence change creates a premature translational stop signal (p.Gln1611*) in the FBN1 gene. It is expected to result in an absent or disrupted protein product. Loss-of-function variants in FBN1 are known to be pathogenic (PMID: 17657824, 19293843). This variant is not present in population databases (gnomAD no frequency). This variant has not been reported in the literature in individuals affected with FBN1-related conditions. ClinVar contains an entry for this variant (Variation ID: 452168). For these reasons, this variant has been classified as Pathogenic.

GeneDx
Classification: Likely pathogenic. Last evaluated: 2017-09-15. Review status: criteria provided, single submitter. Criteria: GeneDx Variant Classification (06012015). Collection method: clinical testing. Allele origin: germline. Affected: yes.
Comment: The Q1611X likely pathogenic variant in the FBN1 gene has not been reported as a pathogenic or benign to our knowledge. Q1611X is predicted to cause loss of normal protein function either by protein truncation or nonsense-mediated mRNA decay. Other downstream nonsense variants in the FBN1 gene have been reported in Human Gene Mutation Database in association with Marfan syndrome (Stenson et al., 2014). Furthermore, the Q1611X variant is not observed in large population cohorts (Lek et al., 2016).

Literature cited by the submitters: PubMed 17657824 (cited by Labcorp Genetics (formerly Invitae), Labcorp); PubMed 19293843 (cited by Labcorp Genetics (formerly Invitae), Labcorp).

NM_000138.5(FBN1):c.4831C>T (p.Gln1611Ter)

Gene: FBN1 (fibrillin 1; minus strand). Cytogenetic location: 15q21.1.
Variant type: single nucleotide variant.
Coding change: c.4831C>T on transcript NM_000138.5 (MANE Select); coding-DNA position 4831, C replaced by T.
Protein change: p.Gln1611Ter; replaces glutamine 1611 with a stop codon.
Molecular consequence: nonsense.
Genome position (GRCh38, 1-based): chr15:48,465,679, G>A on the plus strand (C>T on the coding strand, the complement: FBN1 is on the minus strand). VCF-style: chr15-48465679-G-A. GRCh37 (hg19) VCF-style: chr15-48757876-G-A.
Other names: short protein forms Q1611*.
Identifiers: ClinVar variation 452168 (VCV000452168.4), dbSNP rs1555397004, ClinGen allele CA392351363.